The following is an entry in ClinVar:

ClinVar aggregate classification (germline): Uncertain significance. Review status: criteria provided, multiple submitters, no conflicts (2 of 4 stars). 2 submissions from 2 submitters: Uncertain significance (2). Last evaluated 2021-04-17.

Conditions:
PRPH2-related disorder. Also called: PRPH2-related disorders; PRPH2-related condition. Identifiers: MedGen CN239395.

Submissions (2):

Labcorp Genetics (formerly Invitae), Labcorp
Classification: Uncertain significance for PRPH2-related disorder. Last evaluated: 2021-04-17. Review status: criteria provided, single submitter. Criteria: Invitae Variant Classification Sherloc (09022015). Collection method: clinical testing. Allele origin: germline.
Comment: In summary, the available evidence is currently insufficient to determine the role of this variant in disease. Therefore, it has been classified as a Variant of Uncertain Significance. Experimental studies and prediction algorithms are not available or were not evaluated, and the functional significance of this variant is currently unknown. This variant has been observed in individual(s) with inherited retinal dystrophy (Invitae). This variant is not present in population databases (ExAC no frequency). This variant, c.776_777insTCT, results in the insertion of 1 amino acid(s) to the PRPH2 protein (p.Ser259_Ser260insLeu), but otherwise preserves the integrity of the reading frame.

Blueprint Genetics
Classification: Uncertain significance. Last evaluated: 2019-09-10. Review status: criteria provided, single submitter. Criteria: ACMG Guidelines, 2015. Collection method: clinical testing. Allele origin: germline.

NM_000322.5(PRPH2):c.776_777insTCT (p.Ser259_Ser260insLeu)

Gene: PRPH2 (peripherin 2; minus strand). Cytogenetic location: 6p21.1.
Variant type: Insertion.
Coding change: c.776_777insTCT on transcript NM_000322.5 (MANE Select); coding-DNA positions 776 to 777, TCT inserted.
Protein change: p.Ser259_Ser260insLeu.
Molecular consequence: inframe insertion.
Genome position: GRCh38 VCF-style: chr6-42704416-G-GAGA. GRCh37 (hg19) VCF-style: chr6-42672154-G-GAGA.
Identifiers: ClinVar variation 1346368 (VCV001346368.9), dbSNP rs2152005221, ClinGen allele CA2573140847.
Genomic context (GRCh38, chr6:42,704,416, plus strand): 5'-AGGGCCTACCTCGAAGAGCCAAATGAGGAGCGTGACGACACCCATGGAGTTCATGAGGCT[G>GAGA]CTGTAGTAGCTCAGCAGGGCAGCCCTGCAGCCACGCACCCACAGGTTGAGCTCCTCCGTC-3'